The following is an entry in ClinVar:

ClinVar aggregate classification (somatic clinical impact): Tier I - Strong (1 of 4 stars; one submission).

Conditions:
Pilocytic astrocytoma. Also called: Pilocytic astrocytoma, somatic. Identifiers: Orphanet 251612, MedGen C0334583, MONDO:0016691, HP:0033680.

Submission:

Institute for Genomic Medicine (IGM) Clinical Laboratory, Nationwide Children's Hospital
Classification: Tier I - Strong for Pilocytic astrocytoma. Assertion type: diagnostic. Clinical significance: supports diagnosis. Last evaluated: 2025-05-19. Review status: criteria provided, single submitter. Criteria: AMP/ASCO/CAP Guidelines, 2017. Collection method: clinical testing. Allele origin: somatic. Affected: yes.
Comment: Variant has Tier I (strong) clinical significance as a diagnostic inclusion criterion in pilocytic astrocytoma, based on the following evidence: 1) Documented in one or more cancer databases (e.g., St. Jude Pecan, COSMIC, CIViC, OncoKB). 2) Appears in one or more well-established professional guidelines (e.g., World Health Organization [WHO]; National Comprehensive Cancer Network [NCCN]) as providing diagnostic, prognostic, or therapeutic information. 3) Information in the literature supports potential biologic effect of variant (PMIDs: 21190184, 19363522). 4) Diagnostic for a specific tumor type/classification according to professional guidelines (Evidence Level A; PMIDs: 21190184, 19363522, 23583981, 28912153).

Literature cited by the submitters: PubMed 21190184; PubMed 19363522; PubMed 23583981; PubMed 28912153.

NM_004333.6(BRAF):c.1795_1797dup (p.Thr599_Val600insThr)

Gene: BRAF (B-Raf proto-oncogene, serine/threonine kinase; minus strand). Cytogenetic location: 7q34.
Variant type: Duplication.
Coding change: c.1795_1797dup on transcript NM_004333.6 (MANE Select); coding-DNA positions 1795 to 1797, 3 bases duplicated (ACA; older notation c.1795_1797dupACA).
Protein change: p.Thr599_Val600insThr.
Genome position (GRCh38, 1-based): chr7:140,753,338-140,753,340, TGT duplicated on the plus strand (ACA on the coding strand, the reverse complement: BRAF is on the minus strand). VCF-style (leftmost placement, unchanged base first): chr7-140753337-C-CTGT. GRCh37 (hg19) VCF-style: chr7-140453137-C-CTGT.
Other names: c.1795_1797dup, p.Thr599_Val600insThr (NM_001354609.2, NM_001378468.1, NM_001378474.1); c.1915_1917dup, p.Thr639_Val640insThr (NM_001374244.1, NM_001374258.1); c.1804_1806dup, p.Thr602_Val603insThr (NM_001378467.1); c.1729_1731dup, p.Thr577_Val578insThr (NM_001378469.1); c.1693_1695dup, p.Thr565_Val566insThr (NM_001378470.1); c.1684_1686dup, p.Thr562_Val563insThr (NM_001378471.1); c.1639_1641dup, p.Thr547_Val548insThr (NM_001378472.1, NM_001378473.1); c.1531_1533dup, p.Thr511_Val512insThr (NM_001378475.1).
Identifiers: ClinVar variation 4530175 (VCV004530175.1).
Genomic context (GRCh38, chr7:140,753,337, plus strand): 5'-TCCACAAAATGGATCCAGACAACTGTTCAAACTGATGGGACCCACTCCATCGAGATTTCA[C>CTGT]TGTAGCTAGACCAAAATCACCTATTTTTACTGTGAGGTCTTCATGAAGAAATATATCTGA-3'